The following is an entry in ClinVar:

NM_005751.5(AKAP9):c.2609_2610delinsTT (p.Cys870Phe)

Gene: AKAP9 (A-kinase anchoring protein 9; plus strand). Cytogenetic location: 7q21.2.
Variant type: Indel.
Coding change: c.2609_2610delinsTT on transcript NM_005751.5 (MANE Select); coding-DNA positions 2609 to 2610, GC replaced by TT.
Protein change: p.Cys870Phe; replaces cysteine 870 with phenylalanine.
Molecular consequence: missense variant.
Genome position (GRCh38, 1-based): chr7:92,002,526-92,002,527, GC replaced by TT. VCF-style: chr7-92002526-GC-TT. GRCh37 (hg19) VCF-style: chr7-91631840-GC-TT.
Other names: c.2609_2610delinsTT, p.Cys870Phe (NM_147185.3); short protein forms C870F.
Identifiers: ClinVar variation 4033768 (VCV004033768.1).

ClinVar aggregate classification (germline): Uncertain significance (1 of 4 stars; one submission).

Conditions:
Cardiovascular phenotype. Identifiers: MedGen CN230736.

Submission:

Ambry Genetics
Classification: Uncertain significance for Cardiovascular phenotype. Last evaluated: 2025-04-04. Review status: criteria provided, single submitter. Criteria: Ambry Variant Classification Scheme 2023. Collection method: clinical testing. Allele origin: germline.
Comment: The c.2609_2610delGCinsTT variant (also known as p.C870F), located in coding exon 8 of the AKAP9 gene, results from an in-frame deletion of GC and insertion of TT at nucleotide positions 2609 to 2610. This results in the substitution of the cysteine residue for a phenylalanine residue at codon 870, an amino acid with highly dissimilar properties. This amino acid position is well conserved in available vertebrate species. In addition, the in silico prediction for this alteration is inconclusive (Choi Y et al. PLoS ONE. 2012; 7(10):e46688). The evidence for this gene-disease relationship is limited; therefore, the clinical significance of this alteration is unclear.